The following is an entry in ClinVar:

NM_001363711.2(DUOX2):c.4556C>G (p.Pro1519Arg)

Gene: DUOX2 (dual oxidase 2; minus strand). Cytogenetic location: 15q21.1.
Variant type: single nucleotide variant.
Coding change: c.4556C>G on transcript NM_001363711.2 (MANE Select); coding-DNA position 4556, C replaced by G.
Protein change: p.Pro1519Arg; replaces proline 1519 with arginine.
Molecular consequence: missense variant.
Genome position (GRCh38, 1-based): chr15:45,094,241, G>C on the plus strand (C>G on the coding strand, the complement: DUOX2 is on the minus strand). VCF-style: chr15-45094241-G-C. GRCh37 (hg19) VCF-style: chr15-45386439-G-C.
Other names: c.4556C>G, p.Pro1519Arg (NM_014080.5); c.4556C>G (NM_014080.4); short protein forms P1519R.
Identifiers: ClinVar variation 1347608 (VCV001347608.6), dbSNP rs758809829, ClinGen allele CA7537467.
Genomic context (GRCh38, chr15:45,094,241, plus strand): 5'-GCTCGGTCCTGCCTGTTGACGAGCTGACAGGCCTTCTCTACATTCTTGGTCATTCCTGGA[G>C]GGCCGCAGCTGAACACCCCGATCTTGCGCACCTGTCAGGAGATTGGAGAGAGAGAGGGGC-3'
Protein context (NP_001350640.1, residues 1509-1529): VRKIGVFSCG[Pro1519Arg]PGMTKNVEKA

ClinVar aggregate classification (germline): Uncertain significance. Review status: criteria provided, multiple submitters, no conflicts (2 of 4 stars). 2 submissions from 2 submitters: Uncertain significance (2). Last evaluated 2025-02-06.

Conditions:
Inborn genetic diseases. Identifiers: MedGen C0950123, MeSH D030342.

Allele frequency attached by ClinVar (database versions not stated): ExAC 0.00002; gnomAD exomes 0.00002.
gnomAD v4.1: 6 of 1,614,174 alleles (0.00037%); highest among the groups gnomAD compares: Admixed American, 0.01%; no homozygotes.

Submissions (2):

Ambry Genetics
Classification: Uncertain significance for Inborn genetic diseases. Last evaluated: 2025-02-06. Review status: criteria provided, single submitter. Criteria: Ambry Variant Classification Scheme 2023. Collection method: clinical testing. Allele origin: germline.

Labcorp Genetics (formerly Invitae), Labcorp
Classification: Uncertain significance. Last evaluated: 2021-08-31. Review status: criteria provided, single submitter. Criteria: Invitae Variant Classification Sherloc (09022015). Collection method: clinical testing. Allele origin: germline.
Comment: This sequence change replaces proline with arginine at codon 1519 of the DUOX2 protein (p.Pro1519Arg). The proline residue is highly conserved and there is a moderate physicochemical difference between proline and arginine. This variant is present in population databases (rs758809829, ExAC 0.02%). This variant has not been reported in the literature in individuals affected with DUOX2-related conditions. Advanced modeling of protein sequence and biophysical properties (such as structural, functional, and spatial information, amino acid conservation, physicochemical variation, residue mobility, and thermodynamic stability) performed at Invitae indicates that this missense variant is expected to disrupt DUOX2 protein function. In summary, the available evidence is currently insufficient to determine the role of this variant in disease. Therefore, it has been classified as a Variant of Uncertain Significance.